The following is an entry in ClinVar:

ClinVar aggregate classification (germline): Uncertain significance (1 of 4 stars; one submission).

Allele frequency attached by ClinVar (database versions not stated): gnomAD exomes below 0.00001.

Submission:

GeneDx
Classification: Uncertain significance. Last evaluated: 2022-01-12. Review status: criteria provided, single submitter. Criteria: GeneDx Variant Classification Process June 2021. Collection method: clinical testing. Allele origin: germline. Affected: yes.
Comment: Not observed at significant frequency in large population cohorts (gnomAD); Has not been previously published as pathogenic or benign to our knowledge

NM_001267550.2(TTN):c.62935G>C (p.Glu20979Gln)

Genes: TTN (titin; minus strand), TTN-AS1 (TTN antisense RNA 1; plus strand). Cytogenetic location: 2q31.2.
Variant type: single nucleotide variant.
Coding change: c.62935G>C on transcript NM_001267550.2 (MANE Select); coding-DNA position 62935, G replaced by C.
Protein change: p.Glu20979Gln; replaces glutamic acid 20979 with glutamine.
Molecular consequence: missense variant.
Genome position (GRCh38, 1-based): chr2:178,588,790, C>G on the plus strand (G>C on the coding strand, the complement: TTN is on the minus strand). VCF-style: chr2-178588790-C-G. GRCh37 (hg19) VCF-style: chr2-179453517-C-G.
Other names: c.58012G>C, p.Glu19338Gln (NM_001256850.1); c.35740G>C, p.Glu11914Gln (NM_003319.4); c.55231G>C, p.Glu18411Gln (NM_133378.4); c.36115G>C, p.Glu12039Gln (NM_133432.3); c.36316G>C, p.Glu12106Gln (NM_133437.4); short protein forms E11914Q, E12039Q, E12106Q, E18411Q, E19338Q, E20979Q.
Identifiers: ClinVar variation 1697069 (VCV001697069.2), dbSNP rs1306891128, ClinGen allele CA349458821.